The following is an entry in ClinVar:

ClinVar aggregate classification (germline): Likely benign (1 of 4 stars; one submission).

gnomAD v4.1: 2,182 of 1,612,954 alleles (0.14%); highest among the groups gnomAD compares: African/African-American, 0.28%; 26 homozygotes.

Submission:

CeGaT Center for Human Genetics Tuebingen
Classification: Likely benign. Last evaluated: 2026-09-01. Review status: criteria provided, single submitter. Criteria: CeGaT Center For Human Genetics Tuebingen Variant Classification Criteria Version 2. Collection method: clinical testing. Allele origin: germline. Affected: yes. Observed: 13 variant alleles.
Comment: HNRNPCL2: BP4, BP7, BS2

NM_001136561.3(HNRNPCL2):c.306G>A (p.Ala102=)

Gene: HNRNPCL2 (heterogeneous nuclear ribonucleoprotein C like 2; minus strand). Cytogenetic location: 1p36.21.
Variant type: single nucleotide variant.
Coding change: c.306G>A on transcript NM_001136561.3 (MANE Select); coding-DNA position 306, G replaced by A.
Protein change: p.Ala102=; no amino-acid change (alanine 102 retained).
Molecular consequence: synonymous variant.
Genome position (GRCh38, 1-based): chr1:13,116,095, C>T on the plus strand (G>A on the coding strand, the complement: HNRNPCL2 is on the minus strand). VCF-style: chr1-13116095-C-T. GRCh37 (hg19) VCF-style: chr1-13183567-C-T.
Identifiers: ClinVar variation 3770477 (VCV003770477.13).